The following is an entry in ClinVar:

NM_000548.5(TSC2):c.4790T>C (p.Leu1597Pro)

Gene: TSC2 (TSC complex subunit 2; plus strand). Cytogenetic location: 16p13.3.
Variant type: single nucleotide variant.
Coding change: c.4790T>C on transcript NM_000548.5 (MANE Select); coding-DNA position 4790, T replaced by C.
Protein change: p.Leu1597Pro; replaces leucine 1597 with proline.
Molecular consequence: missense variant.
Genome position (GRCh38, 1-based): chr16:2,086,320, T>C. VCF-style: chr16-2086320-T-C. GRCh37 (hg19) VCF-style: chr16-2136321-T-C.
Other names: c.4589T>C, p.Leu1530Pro (NM_001077183.3); c.4721T>C, p.Leu1574Pro (NM_001114382.3); c.4481T>C, p.Leu1494Pro (NM_001318827.2); c.4445T>C, p.Leu1482Pro (NM_001318829.2); c.4058T>C, p.Leu1353Pro (NM_001318831.2); c.4622T>C, p.Leu1541Pro (NM_001318832.2); c.4592T>C, p.Leu1531Pro (NM_001363528.2); c.4658T>C, p.Leu1553Pro (NM_001370404.1); and 1 more; short protein forms L1597P, L1553P, L1554P, L1353P, L1494P, L1531P, L1574P, L1482P.
Identifiers: ClinVar variation 49320 (VCV000049320.5), dbSNP rs45517370, ClinGen allele CA021009.

ClinVar aggregate classification (germline): Pathogenic. Review status: criteria provided, single submitter (1 of 4 stars). 2 submissions from 2 submitters: Pathogenic (1). 1 of the submissions does not count toward it. Last evaluated 2024-12-11.

Conditions:
Tuberous sclerosis syndrome (TSC). Also called: Tuberous Sclerosis Complex; Tuberous sclerosis. Identifiers: Orphanet 805, MedGen C0041341, MONDO:0001734.
Tuberous sclerosis 2 (TSC2). Identifiers: Orphanet 805, MedGen C1860707, MONDO:0013199, OMIM 613254.

Submissions (2):

Labcorp Genetics (formerly Invitae), Labcorp
Classification: Pathogenic for Tuberous sclerosis 2. Last evaluated: 2024-12-11. Review status: criteria provided, single submitter. Criteria: Invitae Variant Classification Sherloc (09022015). Collection method: clinical testing. Allele origin: germline.
Comment: This sequence change replaces leucine, which is neutral and non-polar, with proline, which is neutral and non-polar, at codon 1597 of the TSC2 protein (p.Leu1597Pro). This variant is not present in population databases (gnomAD no frequency). This missense change has been observed in individual(s) with tuberous sclerosis (PMID: 11112665). In at least one individual the variant was observed to be de novo. ClinVar contains an entry for this variant (Variation ID: 49320). Invitae Evidence Modeling of protein sequence and biophysical properties (such as structural, functional, and spatial information, amino acid conservation, physicochemical variation, residue mobility, and thermodynamic stability) indicates that this missense variant is expected to disrupt TSC2 protein function with a positive predictive value of 95%. For these reasons, this variant has been classified as Pathogenic.

Tuberous sclerosis database (TSC2)
No classification provided. Condition: TSC. Review status: no classification provided. Criteria: Tuberous Sclerosis Database Assertion Criteria 2015. Collection method: curation. Allele origin: germline. Affected: yes. Not counted in ClinVar's aggregate classification.

Literature cited by the submitters: PubMed 11112665 (cited by Labcorp Genetics (formerly Invitae), Labcorp).